The following is an entry in ClinVar:

ClinVar aggregate classification (germline): Uncertain significance (1 of 4 stars; one submission).

gnomAD v4.1: 1 of 1,614,198 alleles (0.000062%); highest among the groups gnomAD compares: Non-Finnish European, 0.000085%; no homozygotes.

Submission:

Labcorp Genetics (formerly Invitae), Labcorp
Classification: Uncertain significance. Last evaluated: 2022-06-23. Review status: criteria provided, single submitter. Criteria: Invitae Variant Classification Sherloc (09022015). Collection method: clinical testing. Allele origin: germline.
Comment: This sequence change replaces arginine, which is basic and polar, with serine, which is neutral and polar, at codon 4887 of the FAT4 protein (p.Arg4887Ser). This variant is not present in population databases (gnomAD no frequency). This variant has not been reported in the literature in individuals affected with FAT4-related conditions. Advanced modeling of protein sequence and biophysical properties (such as structural, functional, and spatial information, amino acid conservation, physicochemical variation, residue mobility, and thermodynamic stability) performed at Invitae indicates that this missense variant is not expected to disrupt FAT4 protein function. In summary, the available evidence is currently insufficient to determine the role of this variant in disease. Therefore, it has been classified as a Variant of Uncertain Significance.

NM_001291303.3(FAT4):c.14667A>T (p.Arg4889Ser)

Gene: FAT4 (FAT atypical cadherin 4; plus strand). Cytogenetic location: 4q28.1.
Variant type: single nucleotide variant.
Coding change: c.14667A>T on transcript NM_001291303.3 (MANE Select); coding-DNA position 14667, A replaced by T.
Protein change: p.Arg4889Ser; replaces arginine 4889 with serine.
Molecular consequence: missense variant.
Genome position (GRCh38, 1-based): chr4:125,491,483, A>T. VCF-style: chr4-125491483-A-T. GRCh37 (hg19) VCF-style: chr4-126412638-A-T.
Other names: c.14664A>T, p.Arg4888Ser (NM_001291285.3); c.14661A>T, p.Arg4887Ser (NM_024582.6); short protein forms R4887S, R4888S, R4889S.
Identifiers: ClinVar variation 1953139 (VCV001953139.2), dbSNP rs202163876, ClinGen allele CA104876862.